The following is an entry in ClinVar:

NM_017617.5(NOTCH1):c.6300C>A (p.Ile2100=)

Gene: NOTCH1 (notch receptor 1; minus strand). Cytogenetic location: 9q34.3.
Variant type: single nucleotide variant.
Coding change: c.6300C>A on transcript NM_017617.5 (MANE Select); coding-DNA position 6300, C replaced by A.
Protein change: p.Ile2100=; no amino-acid change (isoleucine 2100 retained).
Molecular consequence: synonymous variant.
Genome position (GRCh38, 1-based): chr9:136,497,439, G>T on the plus strand (C>A on the coding strand, the complement: NOTCH1 is on the minus strand). VCF-style: chr9-136497439-G-T. GRCh37 (hg19) VCF-style: chr9-139391891-G-T.
Other names: c.6300C>A, p.Ile2100= (LRG_1122t1).
Identifiers: ClinVar variation 514759 (VCV000514759.1), dbSNP rs773483690, ClinGen allele CA467832267.

ClinVar aggregate classification (germline): Likely benign (1 of 4 stars; one submission).

Submission:

GeneDx
Classification: Likely benign. Last evaluated: 2018-01-10. Review status: criteria provided, single submitter. Criteria: GeneDx Variant Classification (06012015). Collection method: clinical testing. Allele origin: germline. Affected: yes.
Comment: This variant is considered likely benign or benign based on one or more of the following criteria: it is a conservative change, it occurs at a poorly conserved position in the protein, it is predicted to be benign by multiple in silico algorithms, and/or has population frequency not consistent with disease.